The following is an entry in ClinVar:

NM_017739.4(POMGNT1):c.330A>G (p.Val110=)

Gene: POMGNT1 (protein O-linked mannose N-acetylglucosaminyltransferase 1 (beta 1,2-); minus strand). Cytogenetic location: 1p34.1.
Variant type: single nucleotide variant.
Coding change: c.330A>G on transcript NM_017739.4 (MANE Select); coding-DNA position 330, A replaced by G.
Protein change: p.Val110=; no amino-acid change (valine 110 retained).
Molecular consequence: synonymous variant. On other transcripts: 5 prime UTR variant (1).
Genome position (GRCh38, 1-based): chr1:46,196,755, T>C on the plus strand (A>G on the coding strand, the complement: POMGNT1 is on the minus strand). VCF-style: chr1-46196755-T-C. GRCh37 (hg19) VCF-style: chr1-46662427-T-C.
Other names: c.330A>G, p.Val110= (NM_001243766.2, NM_001410783.1); c.264A>G, p.Val88= (NM_001290129.3); c.-100A>G (NM_001290130.2).
Identifiers: ClinVar variation 1350814 (VCV001350814.5), dbSNP rs1658269711, ClinGen allele CA417719541.
Genomic context (GRCh38, chr1:46,196,755, plus strand): 5'-ATAGAGTGACTGTACACCAGACCCTGGCCCACTGACCGTGGTGCCATCCACTGCCACATA[T>C]ACTTTGCTGCGACTTGAATACACCTCTACGTCCAGGACCCGCCGGGGACCACTGCCTCTG-3'
Protein context (NP_060209.4, residues 100-120): DVEVYSSRSK[Val110=]YVAVDGTTVL

ClinVar aggregate classification (germline): Uncertain significance (1 of 4 stars; one submission).

Conditions:
Autosomal recessive limb-girdle muscular dystrophy type 2O. Also called: Limb-Girdle Muscular Dystrophy Type 3C; MUSCULAR DYSTROPHY-DYSTROGLYCANOPATHY (LIMB-GIRDLE), TYPE C, 3; MUSCULAR DYSTROPHY-DYSTROGLYCANOPATHY, LIMB-GIRDLE, POMGNT1-RELATED. Identifiers: Orphanet 206564, MedGen C3150417, MONDO:0013161, OMIM 613157.
Muscular dystrophy-dystroglycanopathy (congenital with impaired intellectual development), type B, 3. Also called: MUSCULAR DYSTROPHY, CONGENITAL, POMGNT1-RELATED; Muscular dystrophy-dystroglycanopathy (congenital with intellectual disability), type B3. Identifiers: MedGen C3150412, MONDO:0013155, OMIM 613151.

Allele frequency attached by ClinVar (database versions not stated): gnomAD exomes 0.00002; gnomAD 0.00001; TOPMed below 0.00001.
gnomAD v4.1: 37 of 1,614,172 alleles (0.0023%); highest among the groups gnomAD compares: Non-Finnish European, 0.0031%; no homozygotes.

Submission:

Labcorp Genetics (formerly Invitae), Labcorp
Classification: Uncertain significance for Autosomal recessive limb-girdle muscular dystrophy type 2O; Muscular dystrophy-dystroglycanopathy (congenital with impaired intellectual development), type B, 3. Last evaluated: 2021-10-14. Review status: criteria provided, single submitter. Criteria: Invitae Variant Classification Sherloc (09022015). Collection method: clinical testing. Allele origin: germline.
Comment: This sequence change affects codon 110 of the POMGNT1 mRNA. It is a 'silent' change, meaning that it does not change the encoded amino acid sequence of the POMGNT1 protein. This variant is not present in population databases (ExAC no frequency). This variant has not been reported in the literature in individuals affected with POMGNT1-related conditions. Algorithms developed to predict the effect of sequence changes on RNA splicing suggest that this variant may create or strengthen a splice site. In summary, the available evidence is currently insufficient to determine the role of this variant in disease. Therefore, it has been classified as a Variant of Uncertain Significance.